The following is an entry in ClinVar:

NM_018723.4(RBFOX1):c.886G>A (p.Gly296Ser)

Gene: RBFOX1 (RNA binding fox-1 homolog 1; plus strand). Cytogenetic location: 16p13.3.
Variant type: single nucleotide variant.
Coding change: c.886G>A on transcript NM_018723.4 (MANE Select); coding-DNA position 886, G replaced by A.
Protein change: p.Gly296Ser; replaces glycine 296 with serine.
Molecular consequence: missense variant.
Genome position (GRCh38, 1-based): chr16:7,653,943, G>A. VCF-style: chr16-7653943-G-A. GRCh37 (hg19) VCF-style: chr16-7703945-G-A.
Other names: c.805G>A, p.Gly269Ser (NM_001142333.2); c.886G>A, p.Gly296Ser (NM_001142334.2, NM_001364800.2); c.1015G>A, p.Gly339Ser (NM_001308117.1); c.946G>A, p.Gly316Ser (NM_145891.3, NM_145892.3, NM_145893.3); short protein forms G316S, G339S, G269S, G296S.
Identifiers: ClinVar variation 970287 (VCV000970287.11), dbSNP rs759654438, ClinGen allele CA7891741.
Genomic context (GRCh38, chr16:7,653,943, plus strand): 5'-GGTCGCACCGTGTACAACACCTTCAGGGCCGCGGCGCCCCCGCCCCCGATCCCGGCCTAC[G>A]GCGGGTAAGTGGGGCAGCCTCCTGGGTGGGCCTCCCTGCACCAGCCCTCCCTCCCCAGAG-3'
Protein context (NP_061193.2, residues 286-306): AAPPPPIPAY[Gly296Ser]GVVYQDGFYG

ClinVar aggregate classification (germline): Uncertain significance. Review status: criteria provided, multiple submitters, no conflicts (2 of 4 stars). 2 submissions from 2 submitters: Uncertain significance (2). Last evaluated 2025-11-20.

Conditions:
Idiopathic generalized epilepsy. Also called: Generalised epilepsy; EIG. Identifiers: MedGen C0270850, MONDO:0005579, OMIM 600669.
Inborn genetic diseases. Identifiers: MedGen C0950123, MeSH D030342.

Allele frequency attached by ClinVar (database versions not stated): gnomAD exomes 0.00001; ExAC 0.00003; gnomAD 0.00004; TOPMed 0.00004; 1000 Genomes Project 30x 0.00016.
gnomAD v4.1: 15 of 1,524,484 alleles (0.00098%); highest among the groups gnomAD compares: East Asian, 0.014%; no homozygotes.

Submissions (2):

Ambry Genetics
Classification: Uncertain significance for Inborn genetic diseases. Last evaluated: 2025-11-20. Review status: criteria provided, single submitter. Criteria: Ambry Variant Classification Scheme 2023. Collection method: clinical testing. Allele origin: germline.

Labcorp Genetics (formerly Invitae), Labcorp
Classification: Uncertain significance for Idiopathic generalized epilepsy. Last evaluated: 2024-09-16. Review status: criteria provided, single submitter. Criteria: Invitae Variant Classification Sherloc (09022015). Collection method: clinical testing. Allele origin: germline.
Comment: This sequence change replaces glycine, which is neutral and non-polar, with serine, which is neutral and polar, at codon 316 of the RBFOX1 protein (p.Gly316Ser). This variant is present in population databases (rs759654438, gnomAD 0.01%). This variant has not been reported in the literature in individuals affected with RBFOX1-related conditions. ClinVar contains an entry for this variant (Variation ID: 970287). Invitae Evidence Modeling of protein sequence and biophysical properties (such as structural, functional, and spatial information, amino acid conservation, physicochemical variation, residue mobility, and thermodynamic stability) indicates that this missense variant is not expected to disrupt RBFOX1 protein function with a negative predictive value of 80%. In summary, the available evidence is currently insufficient to determine the role of this variant in disease. Therefore, it has been classified as a Variant of Uncertain Significance.